The following is an entry in ClinVar:

NM_024408.4(NOTCH2):c.201C>G (p.Pro67=)

Gene: NOTCH2 (notch receptor 2; minus strand). Cytogenetic location: 1p12.
Variant type: single nucleotide variant.
Coding change: c.201C>G on transcript NM_024408.4 (MANE Select); coding-DNA position 201, C replaced by G.
Protein change: p.Pro67=; no amino-acid change (proline 67 retained).
Molecular consequence: synonymous variant.
Genome position (GRCh38, 1-based): chr1:120,005,543, G>C on the plus strand (C>G on the coding strand, the complement: NOTCH2 is on the minus strand). VCF-style: chr1-120005543-G-C. GRCh37 (hg19) VCF-style: chr1-120548166-G-C.
Other names: c.201C>G, p.Pro67= (NM_001200001.2).
Identifiers: ClinVar variation 3898500 (VCV003898500.7).

ClinVar aggregate classification (germline): Likely benign (1 of 4 stars; one submission).

Submission:

CeGaT Center for Human Genetics Tuebingen
Classification: Likely benign. Last evaluated: 2025-04-01. Review status: criteria provided, single submitter. Criteria: CeGaT Center For Human Genetics Tuebingen Variant Classification Criteria Version 2. Collection method: clinical testing. Allele origin: germline. Affected: yes. Observed: 1 variant allele.
Comment: NOTCH2: BP4, BP7